The following is an entry in ClinVar:

ClinVar aggregate classification (germline): Likely pathogenic (1 of 4 stars; one submission).

Conditions:
Fabry disease. Also called: ALPHA-GALACTOSIDASE A DEFICIENCY; ANDERSON-FABRY DISEASE; CERAMIDE TRIHEXOSIDASE DEFICIENCY; GLA DEFICIENCY; HEREDITARY DYSTOPIC LIPIDOSIS; Angiokeratoma corporis diffusum. Identifiers: Orphanet 324, MedGen C0002986, MONDO:0010526, OMIM 301500, HP:0001071. Disease mechanism: Fabry disease is due to inactivating mutations in the X-linked GLA gene resulting in deficiency of the enzyme Alpha Galactosidase-A., loss of function.

Submission:

Genomenon, Inc
Classification: Likely pathogenic for Fabry disease. Last evaluated: 2026-09-08. Review status: criteria provided, single submitter. Criteria: Genomenon Sequence Variant Interpretation Standards - Updated. Collection method: curation. Allele origin: germline. Affected: yes.
Comment: GLA p.Ile242Asn (c.725T>A) is a missense variant that changes the amino acid at codon 242 from Isoleucine to Asparagine. This variant has been observed in at least one proband with clinical features consistent with Fabry disease (PMID:9105656;32843101). At least one functional study has demonstrated a substantial alteration in protein function relative to the wild-type (PMID:32023956;23935525). It is absent or not present at a significant frequency in gnomAD. In silico models predict that this variant is possibly or probably damaging. In conclusion, we classify GLA p.Ile242Asn (c.725T>A) as a likely pathogenic variant.

Literature cited by the submitters: PubMed 9105656; PubMed 32843101; PubMed 32023956; PubMed 23935525.

NM_000169.3(GLA):c.725T>A (p.Ile242Asn)

Genes: GLA (galactosidase alpha; minus strand), RPL36A-HNRNPH2 (RPL36A-HNRNPH2 readthrough; plus strand). Cytogenetic location: Xq22.1.
Variant type: single nucleotide variant.
Coding change: c.725T>A on transcript NM_000169.3 (MANE Select); coding-DNA position 725, T replaced by A.
Protein change: p.Ile242Asn; replaces isoleucine 242 with asparagine.
Molecular consequence: missense variant. On other transcripts: non-coding transcript variant (3), intron variant (2).
Genome position (GRCh38, 1-based): chrX:101,398,861, A>T on the plus strand (T>A on the coding strand, the complement: GLA is on the minus strand). VCF-style: chrX-101398861-A-T. GRCh37 (hg19) VCF-style: chrX-100653849-A-T.
Other names: c.848T>A, p.Ile283Asn (NM_001406747.1); c.725T>A, p.Ile242Asn (NM_001406748.1); c.300+3404A>T (NM_001199973.2); c.177+7039A>T (NM_001199974.2); short protein forms I242N, I283N.
Identifiers: ClinVar variation 4087482 (VCV004087482.2).
Genomic context (GRCh38, chrX:101,398,861, plus strand): 5'-CAACCCCCTGGTCCAGCAACATCAACAATTCTCTCCTGGTTAAAAGATGTCCAGTCCAAG[A>T]TACTCTTTATACTTTTCCAGGAATCATCAATGTCAGCAAAATTTCGCCAGTGATTGCAGT-3'
Protein context (NP_000160.1, residues 232-252): IDDSWKSIKS[Ile242Asn]LDWTSFNQER